The following is an entry in ClinVar:

ClinVar aggregate classification (germline): Likely benign (0 of 4 stars; one submission).

Conditions:
NCAPD3-related disorder. Also called: NCAPD3-related condition.

Allele frequency attached by ClinVar (database versions not stated): 1000 Genomes Project 30x 0.00031; 1000 Genomes Project 0.00040; gnomAD 0.00044; gnomAD exomes 0.00051; TOPMed 0.00085; ExAC 0.00169.
gnomAD v4.1: 783 of 1,589,072 alleles (0.049%); highest among the groups gnomAD compares: Admixed American, 0.73%; 9 homozygotes.

Submission:

PreventionGenetics, part of Exact Sciences
Classification: Likely benign for NCAPD3-related condition. Last evaluated: 2019-04-05. Review status: no assertion criteria provided. Collection method: clinical testing. Allele origin: germline.
Comment: This variant is classified as likely benign based on ACMG/AMP sequence variant interpretation guidelines (Richards et al. 2015 PMID: 25741868, with internal and published modifications).

NM_015261.3(NCAPD3):c.3621C>T (p.Ser1207=)

Gene: NCAPD3 (non-SMC condensin II complex subunit D3; minus strand). Cytogenetic location: 11q25.
Variant type: single nucleotide variant.
Coding change: c.3621C>T on transcript NM_015261.3 (MANE Select); coding-DNA position 3621, C replaced by T.
Protein change: p.Ser1207=; no amino-acid change (serine 1207 retained).
Molecular consequence: synonymous variant.
Genome position (GRCh38, 1-based): chr11:134,161,844, G>A on the plus strand (C>T on the coding strand, the complement: NCAPD3 is on the minus strand). VCF-style: chr11-134161844-G-A. GRCh37 (hg19) VCF-style: chr11-134031739-G-A.
Other names: c.3621C>T, p.Ser1207= (NM_001372065.1, NM_001372068.1); c.3207C>T, p.Ser1069= (NM_001372069.1, NM_001372070.1).
Identifiers: ClinVar variation 3049563 (VCV003049563.2), dbSNP rs201457595, ClinGen allele CA6370749.